The following is an entry in ClinVar:

NM_020297.4(ABCC9):c.4394G>A (p.Arg1465His)

Genes: KCNJ8-AS1 (KCNJ8 antisense RNA 1; plus strand), ABCC9 (ATP binding cassette subfamily C member 9; minus strand). Cytogenetic location: 12p12.1.
Variant type: single nucleotide variant.
Coding change: c.4394G>A on transcript NM_020297.4 (MANE Select); coding-DNA position 4394, G replaced by A.
Protein change: p.Arg1465His; replaces arginine 1465 with histidine.
Molecular consequence: missense variant.
Genome position (GRCh38, 1-based): chr12:21,807,401, C>T on the plus strand (G>A on the coding strand, the complement: ABCC9 is on the minus strand). VCF-style: chr12-21807401-C-T. GRCh37 (hg19) VCF-style: chr12-21960335-C-T.
Other names: c.4394G>A, p.Arg1465His (NM_001377273.1, NM_005691.4); c.3527G>A, p.Arg1176His (NM_001377274.1); short protein forms R1176H, R1465H.
Identifiers: ClinVar variation 1011006 (VCV001011006.9), dbSNP rs867034453, ClinGen allele CA233609125.

ClinVar aggregate classification (germline): Uncertain significance. Review status: criteria provided, multiple submitters, no conflicts (2 of 4 stars). 2 submissions from 2 submitters: Uncertain significance (2). Last evaluated 2025-04-14.

Conditions:
Dilated cardiomyopathy 1O (CMD1O). Also called: CARDIOMYOPATHY, DILATED, WITH VENTRICULAR TACHYCARDIA. Identifiers: Orphanet 154, MedGen C1837839, MONDO:0012062, OMIM 608569.

Submissions (2):

Labcorp Genetics (formerly Invitae), Labcorp
Classification: Uncertain significance for Dilated cardiomyopathy 1O. Last evaluated: 2025-04-14. Review status: criteria provided, single submitter. Criteria: Invitae Variant Classification Sherloc (09022015). Collection method: clinical testing. Allele origin: germline.
Comment: This sequence change replaces arginine, which is basic and polar, with histidine, which is basic and polar, at codon 1465 of the ABCC9 protein (p.Arg1465His). This variant is not present in population databases (gnomAD no frequency). This variant has not been reported in the literature in individuals affected with ABCC9-related conditions. ClinVar contains an entry for this variant (Variation ID: 1011006). Invitae Evidence Modeling of protein sequence and biophysical properties (such as structural, functional, and spatial information, amino acid conservation, physicochemical variation, residue mobility, and thermodynamic stability) has been performed for this missense variant. However, the output from this modeling did not meet the statistical confidence thresholds required to predict the impact of this variant on ABCC9 protein function. In summary, the available evidence is currently insufficient to determine the role of this variant in disease. Therefore, it has been classified as a Variant of Uncertain Significance.

Breakthrough Genomics
Classification: Uncertain significance. Review status: criteria provided, single submitter. Criteria: ACMG Guidelines, 2015. Collection method: not provided. Allele origin: germline. Inheritance: Autosomal recessive inheritance. Affected: yes.